The following is an entry in ClinVar:

NM_005051.3(QARS1):c.1315G>A (p.Asp439Asn)

Gene: QARS1 (glutaminyl-tRNA synthetase 1; minus strand). Cytogenetic location: 3p21.31.
Variant type: single nucleotide variant.
Coding change: c.1315G>A on transcript NM_005051.3 (MANE Select); coding-DNA position 1315, G replaced by A.
Protein change: p.Asp439Asn; replaces aspartic acid 439 with asparagine.
Molecular consequence: missense variant. On other transcripts: non-coding transcript variant (1).
Genome position (GRCh38, 1-based): chr3:49,099,834, C>T on the plus strand (G>A on the coding strand, the complement: QARS1 is on the minus strand). VCF-style: chr3-49099834-C-T. GRCh37 (hg19) VCF-style: chr3-49137267-C-T.
Other names: c.1282G>A, p.Asp428Asn (NM_001272073.2); short protein forms D428N, D439N.
Identifiers: ClinVar variation 1305377 (VCV001305377.9), dbSNP rs764347049, ClinGen allele CA74473817.

ClinVar aggregate classification (germline): Uncertain significance. Review status: criteria provided, multiple submitters, no conflicts (2 of 4 stars). 2 submissions from 2 submitters: Uncertain significance (2). Last evaluated 2025-03-03.

Conditions:
Diffuse cerebral and cerebellar atrophy - intractable seizures - progressive microcephaly syndrome. Also called: Microcephaly, progressive, with seizures and cerebral and cerebellar atrophy. Identifiers: Orphanet 404437, MedGen C4014239, MONDO:0014335, OMIM 615760.

Allele frequency attached by ClinVar (database versions not stated): gnomAD exomes below 0.00001; gnomAD 0.00001.

Submissions (2):

Labcorp Genetics (formerly Invitae), Labcorp
Classification: Uncertain significance for Diffuse cerebral and cerebellar atrophy - intractable seizures - progressive microcephaly syndrome. Last evaluated: 2025-03-03. Review status: criteria provided, single submitter. Criteria: Invitae Variant Classification Sherloc (09022015). Collection method: clinical testing. Allele origin: germline.
Comment: This sequence change replaces aspartic acid, which is acidic and polar, with asparagine, which is neutral and polar, at codon 439 of the QARS protein (p.Asp439Asn). This variant is not present in population databases (gnomAD no frequency). This variant has not been reported in the literature in individuals affected with QARS-related conditions. ClinVar contains an entry for this variant (Variation ID: 1305377). Invitae Evidence Modeling of protein sequence and biophysical properties (such as structural, functional, and spatial information, amino acid conservation, physicochemical variation, residue mobility, and thermodynamic stability) has been performed for this missense variant. However, the output from this modeling did not meet the statistical confidence thresholds required to predict the impact of this variant on QARS protein function. In summary, the available evidence is currently insufficient to determine the role of this variant in disease. Therefore, it has been classified as a Variant of Uncertain Significance.

GeneDx
Classification: Uncertain significance. Last evaluated: 2023-07-17. Review status: criteria provided, single submitter. Criteria: GeneDx Variant Classification Process June 2021. Collection method: clinical testing. Allele origin: germline. Affected: yes.
Comment: Has not been previously published as pathogenic or benign to our knowledge; Not observed at significant frequency in large population cohorts (gnomAD); In silico analysis supports that this missense variant has a deleterious effect on protein structure/function; This variant is associated with the following publications: (PMID: 25471517)